The following is an entry in ClinVar:

ClinVar aggregate classification (germline): Likely benign (0 of 4 stars; one submission).

Conditions:
NR3C2-related disorder. Also called: NR3C2-related disorders; NR3C2-related condition.

Allele frequency attached by ClinVar (database versions not stated): gnomAD exomes below 0.00001.
gnomAD v4.1: 1 of 1,614,128 alleles (0.000062%); highest among the groups gnomAD compares: Non-Finnish European, 0.000085%; no homozygotes.

Submission:

PreventionGenetics, part of Exact Sciences
Classification: Likely benign for NR3C2-related condition. Last evaluated: 2019-03-14. Review status: no assertion criteria provided. Collection method: clinical testing. Allele origin: germline.
Comment: This variant is classified as likely benign based on ACMG/AMP sequence variant interpretation guidelines (Richards et al. 2015 PMID: 25741868, with internal and published modifications).

NM_000901.5(NR3C2):c.714C>T (p.Ser238=)

Gene: NR3C2 (nuclear receptor subfamily 3 group C member 2; minus strand). Cytogenetic location: 4q31.23.
Variant type: single nucleotide variant.
Coding change: c.714C>T on transcript NM_000901.5 (MANE Select); coding-DNA position 714, C replaced by T.
Protein change: p.Ser238=; no amino-acid change (serine 238 retained).
Molecular consequence: synonymous variant. On other transcripts: non-coding transcript variant (1).
Genome position (GRCh38, 1-based): chr4:148,436,147, G>A on the plus strand (C>T on the coding strand, the complement: NR3C2 is on the minus strand). VCF-style: chr4-148436147-G-A. GRCh37 (hg19) VCF-style: chr4-149357299-G-A.
Other names: c.714C>T, p.Ser238= (NM_001166104.2, NM_001354819.1).
Identifiers: ClinVar variation 3047094 (VCV003047094.2), dbSNP rs2531832400, ClinGen allele CA442016958.